The following is an entry in ClinVar:

ClinVar aggregate classification (germline): Benign (1 of 4 stars; one submission).

Allele frequency attached by ClinVar (database versions not stated): TOPMed 0.99326; 1000 Genomes Project 30x 0.99329; gnomAD 0.99360 and 0.99396; 1000 Genomes Project 0.99401.
gnomAD v4.1: 151,423 of 152,334 alleles (99%); highest among the groups gnomAD compares: East Asian, 100%; 75,264 homozygotes.

Submission:

GeneDx
Classification: Benign. Last evaluated: 2018-06-14. Review status: criteria provided, single submitter. Criteria: GeneDx Variant Classification (06012015). Collection method: clinical testing. Allele origin: germline. Affected: yes.
Comment: This variant is considered likely benign or benign based on one or more of the following criteria: it is a conservative change, it occurs at a poorly conserved position in the protein, it is predicted to be benign by multiple in silico algorithms, and/or has population frequency not consistent with disease.

NM_000399.5(EGR2):c.169+211C>A

Gene: EGR2 (early growth response 2; minus strand). Cytogenetic location: 10q21.3.
Variant type: single nucleotide variant.
Coding change: c.169+211C>A on transcript NM_000399.5 (MANE Select); 211 bases into the intron after coding-DNA position 169, C replaced by A.
Molecular consequence: intron variant.
Genome position (GRCh38, 1-based): chr10:62,815,650, G>T on the plus strand (C>A on the coding strand, the complement: EGR2 is on the minus strand). VCF-style: chr10-62815650-G-T. GRCh37 (hg19) VCF-style: chr10-64575410-G-T.
Other names: c.169+211C>A (NM_001136178.2, NM_001136177.3); c.19+211C>A (NM_001321037.2, NM_001136179.3).
Identifiers: ClinVar variation 680031 (VCV000680031.1), dbSNP rs224085, ClinGen allele CA208353086.
Genomic context (GRCh38, chr10:62,815,650, plus strand): 5'-CTCTTCCACCCCCATCCCTGCGCTCGCCCGGGGCTGGGCGCGCCGGGGCGCACGCACGCC[G>T]GTTTGCTGGCGACCTGGCGCATCTGCCCGCGCGCCCTGGTCTCAGCTGTCGCAGGTTCCT-3'